The following is an entry in ClinVar:

NM_001367561.1(DOCK7):c.4380-66T>C

Gene: DOCK7 (dedicator of cytokinesis 7; minus strand). Cytogenetic location: 1p31.3.
Variant type: single nucleotide variant.
Coding change: c.4380-66T>C on transcript NM_001367561.1 (MANE Select); 66 bases into the intron before coding-DNA position 4380, T replaced by C.
Molecular consequence: intron variant.
Genome position (GRCh38, 1-based): chr1:62,508,124, A>G on the plus strand (T>C on the coding strand, the complement: DOCK7 is on the minus strand). VCF-style: chr1-62508124-A-G. GRCh37 (hg19) VCF-style: chr1-62973795-A-G.
Other names: c.4260-66T>C (NM_001272001.2, NM_001272000.2); c.4287-66T>C (NM_033407.4); c.4353-66T>C (NM_001271999.2, NM_001330614.2).
Identifiers: ClinVar variation 1296206 (VCV001296206.5), dbSNP rs1184865, ClinGen allele CA23778120.

ClinVar aggregate classification (germline): Benign. Review status: criteria provided, multiple submitters, no conflicts (2 of 4 stars). 3 submissions from 3 submitters: Benign (3). Last evaluated 2024-07-15.

Allele frequency attached by ClinVar (database versions not stated): 1000 Genomes Project 30x 0.55294; TOPMed 0.55866; 1000 Genomes Project 0.56010; gnomAD 0.56928 and 0.57367; gnomAD exomes 0.64699.
gnomAD v4.1: 897,633 of 1,404,672 alleles (64%); highest among the groups gnomAD compares: East Asian, 77%; 290,918 homozygotes.

Submissions (3):

Unidad de Genómica Garrahan, Hospital de Pediatría Garrahan
Classification: Benign. Last evaluated: 2024-07-15. Review status: criteria provided, single submitter. Criteria: ACMG Guidelines, 2015. Collection method: clinical testing. Allele origin: germline. Affected: no. Observed: 70 variant alleles.
Comment: This variant is classified as Benign based on local population frequency. This variant was detected in 75% of patients studied in a panel designed for Epileptic and Developmental Encephalopathy and Progressive Myoclonus Epilepsy. Number of patients: 70. Only high quality variants are reported.

GeneDx
Classification: Benign. Last evaluated: 2021-03-08. Review status: criteria provided, single submitter. Criteria: GeneDx Variant Classification Process June 2021. Collection method: clinical testing. Allele origin: germline. Affected: yes.

Breakthrough Genomics
Classification: Benign. Review status: criteria provided, single submitter. Criteria: ACMG Guidelines, 2015. Collection method: not provided. Allele origin: germline. Inheritance: Autosomal recessive inheritance. Affected: yes.